The following is an entry in ClinVar:

NM_001048174.2(MUTYH):c.1288C>G (p.Leu430Val)

Gene: MUTYH (mutY DNA glycosylase; minus strand). Cytogenetic location: 1p34.1.
Variant type: single nucleotide variant.
Coding change: c.1288C>G on transcript NM_001048174.2 (MANE Select); coding-DNA position 1288, C replaced by G.
Protein change: p.Leu430Val; replaces leucine 430 with valine.
Molecular consequence: missense variant. On other transcripts: non-coding transcript variant (2).
Genome position (GRCh38, 1-based): chr1:45,331,286, G>C on the plus strand (C>G on the coding strand, the complement: MUTYH is on the minus strand). VCF-style: chr1-45331286-G-C. GRCh37 (hg19) VCF-style: chr1-45796958-G-C.
Other names: c.1288C>G, p.Leu430Val (NM_001407073.1, NM_001407081.1, NM_001048171.2 and 6 more transcripts); c.1204C>G, p.Leu402Val (NM_001407075.1); c.1321C>G, p.Leu441Val (NM_001407077.1, NM_001293191.2, NM_001407069.1); c.1291C>G, p.Leu431Val (NM_001407078.1, NM_001048172.2, NM_001407071.1 and 1 more transcripts); c.1249C>G, p.Leu417Val (NM_001407079.1); c.1246C>G, p.Leu416Val (NM_001407080.1); c.943C>G, p.Leu315Val (NM_001407082.1, NM_001350650.2, NM_001350651.2); c.1330C>G, p.Leu444Val (NM_001407083.1, NM_001407085.1); and 5 more; short protein forms L315V, L417V, L441V, L338V, L444V, L455V, L416V, L402V.
Identifiers: ClinVar variation 2038857 (VCV002038857.5), dbSNP rs574350006, ClinGen allele CA340132707.

ClinVar aggregate classification (germline): Uncertain significance. Review status: criteria provided, multiple submitters, no conflicts (2 of 4 stars). 2 submissions from 2 submitters: Uncertain significance (2). Last evaluated 2025-08-27.

Conditions:
Familial adenomatous polyposis 2. Also called: MUTYH Polyposis; COLORECTAL ADENOMATOUS POLYPOSIS, AUTOSOMAL RECESSIVE; ADENOMAS, MULTIPLE COLORECTAL, AUTOSOMAL RECESSIVE; FAP type 2; Adenomas, multiple colorectal; MYH-associated polyposis. Identifiers: Orphanet 220460, Orphanet 247798, MedGen C3272841, MONDO:0012041, OMIM 608456.
Hereditary cancer-predisposing syndrome. Also called: Neoplastic Syndromes, Hereditary; Tumor predisposition; Hereditary Cancer Syndrome; Hereditary neoplastic syndrome. Identifiers: Orphanet 140162, MedGen C0027672, MeSH D009386, MONDO:0015356.

Submissions (2):

Ambry Genetics
Classification: Uncertain significance for Hereditary cancer-predisposing syndrome. Last evaluated: 2025-08-27. Review status: criteria provided, single submitter. Criteria: Ambry Variant Classification Scheme 2023. Collection method: clinical testing. Allele origin: germline.
Comment: The p.L458V variant (also known as c.1372C>G), located in coding exon 14 of the MUTYH gene, results from a C to G substitution at nucleotide position 1372. The leucine at codon 458 is replaced by valine, an amino acid with highly similar properties. This amino acid position is conserved. In addition, this alteration is predicted to be tolerated by in silico analysis. Based on the available evidence, the clinical significance of this variant remains unclear.

Labcorp Genetics (formerly Invitae), Labcorp
Classification: Uncertain significance for Familial adenomatous polyposis 2. Last evaluated: 2021-12-09. Review status: criteria provided, single submitter. Criteria: Invitae Variant Classification Sherloc (09022015). Collection method: clinical testing. Allele origin: germline.
Comment: In summary, the available evidence is currently insufficient to determine the role of this variant in disease. Therefore, it has been classified as a Variant of Uncertain Significance. Algorithms developed to predict the effect of missense changes on protein structure and function (SIFT, PolyPhen-2, Align-GVGD) all suggest that this variant is likely to be tolerated. This variant has not been reported in the literature in individuals affected with MUTYH-related conditions. This variant is not present in population databases (gnomAD no frequency). This sequence change replaces leucine, which is neutral and non-polar, with valine, which is neutral and non-polar, at codon 458 of the MUTYH protein (p.Leu458Val).